The following is an entry in ClinVar:

ClinVar aggregate classification (germline): Likely benign (1 of 4 stars; one submission).

Allele frequency attached by ClinVar (database versions not stated): gnomAD 0.00021; TOPMed 0.00029; 1000 Genomes Project 0.00140; 1000 Genomes Project 30x 0.00141.
gnomAD v4.1: 32 of 152,306 alleles (0.021%); highest among the groups gnomAD compares: East Asian, 0.56%; no homozygotes.

Submission:

CeGaT Center for Human Genetics Tuebingen
Classification: Likely benign. Last evaluated: 2025-10-01. Review status: criteria provided, single submitter. Criteria: CeGaT Center For Human Genetics Tuebingen Variant Classification Criteria Version 2. Collection method: clinical testing. Allele origin: germline. Affected: yes. Observed: 3 variant alleles.
Comment: RET: BS1

NM_020975.6(RET):c.1879+355G>A

Gene: RET (ret proto-oncogene; plus strand). Cytogenetic location: 10q11.21.
Variant type: single nucleotide variant.
Coding change: c.1879+355G>A on transcript NM_020975.6 (MANE Select); 355 bases into the intron after coding-DNA position 1879, G replaced by A.
Molecular consequence: intron variant.
Genome position (GRCh38, 1-based): chr10:43,114,030, G>A. VCF-style: chr10-43114030-G-A. GRCh37 (hg19) VCF-style: chr10-43609478-G-A.
Other names: c.1750+355G>A (NM_001406762.1, NM_001406761.1, NM_001406768.1 and 1 more transcripts); c.1354+355G>A (NM_001406774.1); c.853+355G>A (NM_001406786.1, NM_001406783.1); c.1591+355G>A (NM_001406770.1, NM_001406766.1, NM_001406767.1); c.1153+355G>A (NM_001406778.1, NM_001406775.1, NM_001406776.1 and 1 more transcripts); c.694+355G>A (NM_001406790.1, NM_001406788.1, NM_001406789.1); c.575-450G>A (NM_001406791.1); c.889+355G>A (NM_001406784.1); and 7 more.
Identifiers: ClinVar variation 2640414 (VCV002640414.24), dbSNP rs534767762, ClinGen allele CA206262565.